The following is an entry in ClinVar:

NM_001378457.1(DMXL2):c.7813C>T (p.Arg2605Trp)

Gene: DMXL2 (Dmx like 2; minus strand). Cytogenetic location: 15q21.2.
Variant type: single nucleotide variant.
Coding change: c.7813C>T on transcript NM_001378457.1 (MANE Select); coding-DNA position 7813, C replaced by T.
Protein change: p.Arg2605Trp; replaces arginine 2605 with tryptophan.
Molecular consequence: missense variant. On other transcripts: synonymous variant (1), non-coding transcript variant (1).
Genome position (GRCh38, 1-based): chr15:51,463,492, G>A on the plus strand (C>T on the coding strand, the complement: DMXL2 is on the minus strand). VCF-style: chr15-51463492-G-A. GRCh37 (hg19) VCF-style: chr15-51755689-G-A.
Other names: c.7813C>T, p.Arg2605Trp (NM_001174116.3, NM_001378461.1); c.5902C>T, p.Arg1968Trp (NM_001174117.3); c.7810C>T, p.Arg2604Trp (NM_001378458.1, NM_001378462.1, NM_015263.5); c.7525C>T, p.Arg2509Trp (NM_001378459.1); c.5791C>T, p.Arg1931Trp (NM_001378460.1); c.7611C>T, p.Pro2537= (NM_001378463.1); c.7570C>T, p.Arg2524Trp (NM_001378464.1); short protein forms R2509W, R1968W, R2605W, R1931W, R2524W, R2604W.
Identifiers: ClinVar variation 2522811 (VCV002522811.3), dbSNP rs146266274, ClinGen allele CA7561216.

ClinVar aggregate classification (germline): Uncertain significance. Review status: criteria provided, multiple submitters, no conflicts (2 of 4 stars). 2 submissions from 2 submitters: Uncertain significance (2). Last evaluated 2025-02-12.

Conditions:
Inborn genetic diseases. Identifiers: MedGen C0950123, MeSH D030342.

Allele frequency attached by ClinVar (database versions not stated): ESP Exome Variant Server 0.00023; gnomAD exomes 0.00001; gnomAD 0.00003; TOPMed 0.00003; ExAC 0.00004.
gnomAD v4.1: 23 of 1,563,082 alleles (0.0015%); highest among the groups gnomAD compares: East Asian, 0.0046%; no homozygotes.

Submissions (2):

Labcorp Genetics (formerly Invitae), Labcorp
Classification: Uncertain significance. Last evaluated: 2025-02-12. Review status: criteria provided, single submitter. Criteria: Invitae Variant Classification Sherloc (09022015). Collection method: clinical testing. Allele origin: germline.
Comment: This sequence change replaces arginine, which is basic and polar, with tryptophan, which is neutral and slightly polar, at codon 2605 of the DMXL2 protein (p.Arg2605Trp). This variant is present in population databases (rs146266274, gnomAD 0.01%). This variant has not been reported in the literature in individuals affected with DMXL2-related conditions. ClinVar contains an entry for this variant (Variation ID: 2522811). An algorithm developed to predict the effect of missense changes on protein structure and function (PolyPhen-2) suggests that this variant is likely to be disruptive. In summary, the available evidence is currently insufficient to determine the role of this variant in disease. Therefore, it has been classified as a Variant of Uncertain Significance.

Ambry Genetics
Classification: Uncertain significance for Inborn genetic diseases. Last evaluated: 2023-04-19. Review status: criteria provided, single submitter. Criteria: Ambry Variant Classification Scheme 2023. Collection method: clinical testing. Allele origin: germline.